The following is an entry in ClinVar:

NM_000051.4(ATM):c.3756T>G (p.Tyr1252Ter)

Gene: ATM (ATM serine/threonine kinase; plus strand). Cytogenetic location: 11q22.3.
Variant type: single nucleotide variant.
Coding change: c.3756T>G on transcript NM_000051.4 (MANE Select); coding-DNA position 3756, T replaced by G.
Protein change: p.Tyr1252Ter; replaces tyrosine 1252 with a stop codon.
Molecular consequence: nonsense.
Genome position (GRCh38, 1-based): chr11:108,284,236, T>G. VCF-style: chr11-108284236-T-G. GRCh37 (hg19) VCF-style: chr11-108154963-T-G.
Other names: c.3756T>G, p.Tyr1252Ter (NM_001351834.2); short protein forms Y1252*.
Identifiers: ClinVar variation 962266 (VCV000962266.7), dbSNP rs886039637, ClinGen allele CA382524269.
Genomic context (GRCh38, chr11:108,284,236, plus strand): 5'-TTACTTGGAAAAGTTATATATAACCTGTATTTTAAATTTTTCTATTTTTAGATCTTGTTA[T>G]AAGGTTTTGATTCCACATCTGGTGATTAGAAGTCATTTTGATGAGGTGAAGTCCATTGCT-3'

ClinVar aggregate classification (germline): Pathogenic (1 of 4 stars; one submission).

Conditions:
Ataxia-telangiectasia syndrome (AT). Also called: AT, COMPLEMENTATION GROUP C; Ataxia telangiectasia (A-T); Cerebello-oculocutaneous telangiectasia; Immunodeficiency with ataxia telangiectasia; LOUIS-BAR SYNDROME; Ataxia-telangiectasia. Identifiers: Orphanet 100, MedGen C0004135, MONDO:0008840, OMIM 208900.

Submission:

Labcorp Genetics (formerly Invitae), Labcorp
Classification: Pathogenic for Ataxia-telangiectasia syndrome. Last evaluated: 2019-10-15. Review status: criteria provided, single submitter. Criteria: Invitae Variant Classification Sherloc (09022015). Collection method: clinical testing. Allele origin: germline.
Comment: For these reasons, this variant has been classified as Pathogenic. Loss-of-function variants in ATM are known to be pathogenic (PMID: 23807571, 25614872). This variant has not been reported in the literature in individuals with ATM-related conditions. This variant is not present in population databases (ExAC no frequency). This sequence change creates a premature translational stop signal (p.Tyr1252*) in the ATM gene. It is expected to result in an absent or disrupted protein product.

Literature cited by the submitters: PubMed 23807571; PubMed 25614872.